The following is an entry in ClinVar:

ClinVar aggregate classification (germline): Uncertain significance (1 of 4 stars; one submission).

Conditions:
ANK2-related disorder. Also called: ANK2-related condition.

Allele frequency attached by ClinVar (database versions not stated): gnomAD exomes below 0.00001.
gnomAD v4.1: 1 of 1,613,968 alleles (0.000062%); highest among the groups gnomAD compares: South Asian, 0.0011%; no homozygotes.

Submission:

PreventionGenetics, part of Exact Sciences
Classification: Uncertain significance for ANK2-related condition. Last evaluated: 2023-01-26. Review status: criteria provided, single submitter. Criteria: ACMG Guidelines, 2015. Collection method: clinical testing. Allele origin: germline.
Comment: The ANK2 c.863G>A variant is predicted to result in the amino acid substitution p.Arg288Gln. To our knowledge, this variant has not been reported in the literature or in a large population database, indicating this variant is rare. At this time, the clinical significance of this variant is uncertain due to the absence of conclusive functional and genetic evidence.

NM_001148.6(ANK2):c.863G>A (p.Arg288Gln)

Gene: ANK2 (ankyrin 2; plus strand). Cytogenetic location: 4q26.
Variant type: single nucleotide variant.
Coding change: c.863G>A on transcript NM_001148.6 (MANE Select); coding-DNA position 863, G replaced by A.
Protein change: p.Arg288Gln; replaces arginine 288 with glutamine.
Molecular consequence: missense variant.
Genome position (GRCh38, 1-based): chr4:113,242,181, G>A. VCF-style: chr4-113242181-G-A. GRCh37 (hg19) VCF-style: chr4-114163337-G-A.
Other names: c.800G>A, p.Arg267Gln (NM_001127493.3, NM_001354239.2, NM_001354243.2 and 14 more transcripts); c.863G>A, p.Arg288Gln (NM_001354225.2, NM_001354228.2, NM_001354232.2 and 9 more transcripts); c.908G>A, p.Arg303Gln (NM_001354230.2, NM_001354231.2, NM_001354237.2 and 5 more transcripts); c.776G>A, p.Arg259Gln (NM_001354249.2, NM_001354260.2, NM_001354264.2 and 16 more transcripts); c.821G>A, p.Arg274Gln (NM_001354261.2, NM_001386147.1, NM_001386160.1); c.851G>A, p.Arg284Gln (NM_001354269.3, NM_001386148.2, NM_001386186.2); c.914G>A, p.Arg305Gln (NM_001386174.1); c.890G>A, p.Arg297Gln (NM_001386175.1); and 1 more; short protein forms R259Q, R267Q, R274Q, R276Q, R284Q, R288Q, R297Q, R303Q.
Identifiers: ClinVar variation 2630631 (VCV002630631.1), dbSNP rs1585820290, ClinGen allele CA357919879.